The following is an entry in ClinVar:

NM_003579.4(RAD54L):c.2131G>T (p.Asp711Tyr)

Genes: LRRC41 (leucine rich repeat containing 41; minus strand), RAD54L (RAD54 like; plus strand). Cytogenetic location: 1p34.1.
Variant type: single nucleotide variant.
Coding change: c.2131G>T on transcript NM_003579.4 (MANE Select); coding-DNA position 2131, G replaced by T.
Protein change: p.Asp711Tyr; replaces aspartic acid 711 with tyrosine.
Molecular consequence: missense variant. On other transcripts: 3 prime UTR variant (1).
Genome position (GRCh38, 1-based): chr1:46,278,169, G>T. VCF-style: chr1-46278169-G-T. GRCh37 (hg19) VCF-style: chr1-46743841-G-T.
Other names: c.*696C>A (NM_006369.5); c.2131G>T, p.Asp711Tyr (NM_001142548.2); c.1591G>T, p.Asp531Tyr (NM_001370766.1); short protein forms D531Y, D711Y.
Identifiers: ClinVar variation 3429827 (VCV003429827.1).
Genomic context (GRCh38, chr1:46,278,169, plus strand): 5'-CGGCCACCCCCTGATGGTTCTGACTGCACTTCAGACCTGGCAGGGTGGAACCACTGCACT[G>T]ATAAGTGGGGGCTCCGGGATGAGGTACTCCAGGCTGCCTGGGATGCTGCCTCCACTGCCA-3'
Protein context (NP_003570.2, residues 701-721): SDLAGWNHCT[Asp711Tyr]KWGLRDEVLQ

ClinVar aggregate classification (germline): Uncertain significance (1 of 4 stars; one submission).

Submission:

Ambry Genetics
Classification: Uncertain significance. Last evaluated: 2024-10-20. Review status: criteria provided, single submitter. Criteria: Ambry Variant Classification Scheme 2023. Collection method: clinical testing. Allele origin: germline.
Comment: The p.D711Y variant (also known as c.2131G>T), located in coding exon 18 of the RAD54L gene, results from a G to T substitution at nucleotide position 2131. The aspartic acid at codon 711 is replaced by tyrosine, an amino acid with highly dissimilar properties. This amino acid position is conserved. In addition, this alteration is predicted to be deleterious by in silico analysis. Based on the available evidence, the clinical significance of this variant remains unclear.